The following is an entry in ClinVar:

NM_004104.5(FASN):c.2990G>T (p.Arg997Leu)

Gene: FASN (fatty acid synthase; minus strand). Cytogenetic location: 17q25.3.
Variant type: single nucleotide variant.
Coding change: c.2990G>T on transcript NM_004104.5 (MANE Select); coding-DNA position 2990, G replaced by T.
Protein change: p.Arg997Leu; replaces arginine 997 with leucine.
Molecular consequence: missense variant.
Genome position (GRCh38, 1-based): chr17:82,087,738, C>A on the plus strand (G>T on the coding strand, the complement: FASN is on the minus strand). VCF-style: chr17-82087738-C-A. GRCh37 (hg19) VCF-style: chr17-80045614-C-A.
Other names: short protein forms R997L.
Identifiers: ClinVar variation 945372 (VCV000945372.7), dbSNP rs765011040, ClinGen allele CA295133296.
Genomic context (GRCh38, chr17:82,087,738, plus strand): 5'-TACCCACCTTCCAGGCTGGCCTCCAGGATGCCCTGGAAATGAGGGCCGTAGTCGTAGCCA[C>A]GCAGACGCAGCTCCTTGTAAACTTCAGCCTGGGCCAGGAAGAGGGGCTCCGTGGGGTTGG-3'
Protein context (NP_004095.4, residues 987-1007): QAEVYKELRL[Arg997Leu]GYDYGPHFQG

ClinVar aggregate classification (germline): Uncertain significance (1 of 4 stars; one submission).

Conditions:
Epileptic encephalopathy. Identifiers: MedGen C0543888, HP:0200134.

gnomAD v4.1: 39 of 1,612,436 alleles (0.0024%); highest among the groups gnomAD compares: Non-Finnish European, 0.0032%; no homozygotes.

Submission:

Labcorp Genetics (formerly Invitae), Labcorp
Classification: Uncertain significance for Epileptic encephalopathy. Last evaluated: 2023-10-16. Review status: criteria provided, single submitter. Criteria: Invitae Variant Classification Sherloc (09022015). Collection method: clinical testing. Allele origin: germline.
Comment: This sequence change replaces arginine, which is basic and polar, with leucine, which is neutral and non-polar, at codon 997 of the FASN protein (p.Arg997Leu). This variant is present in population databases (no rsID available, gnomAD 0.004%). This variant has not been reported in the literature in individuals affected with FASN-related conditions. ClinVar contains an entry for this variant (Variation ID: 945372). An algorithm developed to predict the effect of missense changes on protein structure and function (PolyPhen-2) suggests that this variant is likely to be disruptive. In summary, the available evidence is currently insufficient to determine the role of this variant in disease. Therefore, it has been classified as a Variant of Uncertain Significance.